The following is an entry in ClinVar:

NM_000287.4(PEX6):c.524G>T (p.Arg175Leu)

Gene: PEX6 (peroxisomal biogenesis factor 6; minus strand). Cytogenetic location: 6p21.1.
Variant type: single nucleotide variant.
Coding change: c.524G>T on transcript NM_000287.4 (MANE Select); coding-DNA position 524, G replaced by T.
Protein change: p.Arg175Leu; replaces arginine 175 with leucine.
Molecular consequence: missense variant. On other transcripts: non-coding transcript variant (1).
Genome position (GRCh38, 1-based): chr6:42,978,627, C>A on the plus strand (G>T on the coding strand, the complement: PEX6 is on the minus strand). VCF-style: chr6-42978627-C-A. GRCh37 (hg19) VCF-style: chr6-42946365-C-A.
Other names: c.524G>T, p.Arg175Leu (NM_001316313.2); c.524G>T (NM_000287.3); short protein forms R175L.
Identifiers: ClinVar variation 1944988 (VCV001944988.3), dbSNP rs1440258328, ClinGen allele CA364164493.

ClinVar aggregate classification (germline): Uncertain significance. Review status: criteria provided, multiple submitters, no conflicts (2 of 4 stars). 2 submissions from 2 submitters: Uncertain significance (2). Last evaluated 2022-10-06.

Conditions:
Peroxisome biogenesis disorder. Identifiers: Orphanet 79189, MedGen C1832200, MONDO:0019234. Disease mechanism: loss of function.
PEX6-related disorder. Also called: PEX6-related disorders; PEX6-related condition.

Allele frequency attached by ClinVar (database versions not stated): gnomAD exomes below 0.00001.
gnomAD v4.1: 1 of 1,590,558 alleles (0.000063%); highest among the groups gnomAD compares: African/African-American, 0.0013%; no homozygotes.

Submissions (2):

PreventionGenetics, part of Exact Sciences
Classification: Uncertain significance for PEX6-related condition. Last evaluated: 2022-10-06. Review status: criteria provided, single submitter. Criteria: ACMG Guidelines, 2015. Collection method: clinical testing. Allele origin: germline.
Comment: The PEX6 c.524G>T variant is predicted to result in the amino acid substitution p.Arg175Leu. To our knowledge, this variant has not been reported in the literature. This variant is reported in 0.0088% of alleles in individuals of African descent in gnomAD. At this time, the clinical significance of this variant is uncertain due to the absence of conclusive functional and genetic evidence.

Labcorp Genetics (formerly Invitae), Labcorp
Classification: Uncertain significance for Peroxisome biogenesis disorder. Last evaluated: 2021-09-24. Review status: criteria provided, single submitter. Criteria: Invitae Variant Classification Sherloc (09022015). Collection method: clinical testing. Allele origin: germline.
Comment: This sequence change replaces arginine with leucine at codon 175 of the PEX6 protein (p.Arg175Leu). The arginine residue is weakly conserved and there is a moderate physicochemical difference between arginine and leucine. This variant is not present in population databases (ExAC no frequency). This variant has not been reported in the literature in individuals with PEX6-related conditions. Algorithms developed to predict the effect of missense changes on protein structure and function (SIFT, PolyPhen-2, Align-GVGD) all suggest that this variant is likely to be tolerated, but these predictions have not been confirmed by published functional studies and their clinical significance is uncertain. In summary, the available evidence is currently insufficient to determine the role of this variant in disease. Therefore, it has been classified as a Variant of Uncertain Significance.